The following is an entry in ClinVar:

NM_021074.5(NDUFV2):c.11C>T (p.Ser4Phe)

Genes: NDUFV2 (NADH:ubiquinone oxidoreductase core subunit V2; plus strand), LOC130062145 (ATAC-STARR-seq lymphoblastoid silent region 9277; plus strand). Cytogenetic location: 18p11.22.
Variant type: single nucleotide variant.
Coding change: c.11C>T on transcript NM_021074.5 (MANE Select); coding-DNA position 11, C replaced by T.
Protein change: p.Ser4Phe; replaces serine 4 with phenylalanine.
Molecular consequence: missense variant.
Genome position (GRCh38, 1-based): chr18:9,102,754, C>T. VCF-style: chr18-9102754-C-T. GRCh37 (hg19) VCF-style: chr18-9102752-C-T.
Other names: short protein forms S4F.
Identifiers: ClinVar variation 2228453 (VCV002228453.2), dbSNP rs777760311, ClinGen allele CA8887019.

ClinVar aggregate classification (germline): Uncertain significance (1 of 4 stars; one submission).

Conditions:
Inborn genetic diseases. Identifiers: MedGen C0950123, MeSH D030342.

gnomAD v4.1: 9 of 1,588,106 alleles (0.00057%); highest among the groups gnomAD compares: East Asian, 0.0023%; no homozygotes.

Submission:

Ambry Genetics
Classification: Uncertain significance for Inborn genetic diseases. Last evaluated: 2021-03-25. Review status: criteria provided, single submitter. Criteria: Ambry Variant Classification Scheme 2023. Collection method: clinical testing. Allele origin: germline.
Comment: The c.11C>T (p.S4F) alteration is located in exon 1 (coding exon 1) of the NDUFV2 gene. This alteration results from a C to T substitution at nucleotide position 11, causing the serine (S) at amino acid position 4 to be replaced by a phenylalanine (F). The p.S4F alteration is predicted to be tolerated by in silico analysis. Based on insufficient or conflicting evidence, the clinical significance of this alteration remains unclear.